The following is an entry in ClinVar:

NM_152419.3(HGSNAT):c.604T>C (p.Ser202Pro)

Gene: HGSNAT (heparan-alpha-glucosaminide N-acetyltransferase; plus strand). Cytogenetic location: 8p11.21.
Variant type: single nucleotide variant.
Coding change: c.604T>C on transcript NM_152419.3 (MANE Select); coding-DNA position 604, T replaced by C.
Protein change: p.Ser202Pro; replaces serine 202 with proline.
Molecular consequence: missense variant. On other transcripts: 5 prime UTR variant (1).
Genome position (GRCh38, 1-based): chr8:43,169,213, T>C. VCF-style: chr8-43169213-T-C. GRCh37 (hg19) VCF-style: chr8-43024356-T-C.
Other names: c.604T>C, p.Ser202Pro (NM_001363227.2, NM_001363228.2); c.-230T>C (NM_001363229.2); short protein forms S202P.
Identifiers: ClinVar variation 1940229 (VCV001940229.5), dbSNP rs1301134251, ClinGen allele CA371115985.

ClinVar aggregate classification (germline): Uncertain significance (1 of 4 stars; one submission).

Conditions:
Retinitis pigmentosa 73 (RP73). Identifiers: Orphanet 791, MedGen C4225287, MONDO:0014687, OMIM 616544.
Mucopolysaccharidosis, MPS-III-C (MPS3C). Also called: SANFILIPPO SYNDROME C; MPS III C; Mucopolysaccharidosis type IIIC (Sanfilippo C); MUCOPOLYSACCHARIDOSIS, TYPE IIIC; mucopolysaccharidosis type 3C; MPS IIIC (Sanfilippo Syndrome Type C). Identifiers: Orphanet 581, Orphanet 79271, MedGen C0086649, MONDO:0009657, OMIM 252930.

Submission:

Labcorp Genetics (formerly Invitae), Labcorp
Classification: Uncertain significance for Retinitis pigmentosa 73; Mucopolysaccharidosis, MPS-III-C. Last evaluated: 2023-05-15. Review status: criteria provided, single submitter. Criteria: Invitae Variant Classification Sherloc (09022015). Collection method: clinical testing. Allele origin: germline.
Comment: This variant is not present in population databases (gnomAD no frequency). This sequence change replaces serine, which is neutral and polar, with proline, which is neutral and non-polar, at codon 202 of the HGSNAT protein (p.Ser202Pro). This variant has not been reported in the literature in individuals affected with HGSNAT-related conditions. In summary, the available evidence is currently insufficient to determine the role of this variant in disease. Therefore, it has been classified as a Variant of Uncertain Significance. Advanced modeling of protein sequence and biophysical properties (such as structural, functional, and spatial information, amino acid conservation, physicochemical variation, residue mobility, and thermodynamic stability) performed at Invitae indicates that this missense variant is not expected to disrupt HGSNAT protein function. ClinVar contains an entry for this variant (Variation ID: 1940229).